The following is an entry in ClinVar:

ClinVar aggregate classification (germline): Likely pathogenic (1 of 4 stars; one submission).

Conditions:
Hereditary spastic paraplegia 3A (SPG3A). Also called: SPASTIC PARAPLEGIA 3, AUTOSOMAL DOMINANT; FAMILIAL SPASTIC PARAPLEGIA, AUTOSOMAL DOMINANT, 1; SPG3; STRUMPELL DISEASE; Spastic Paraplegia 3A; Spastic paraplegia 3A, autosomal dominant. Identifiers: Orphanet 100984, MedGen C2931355, MONDO:0008437, OMIM 182600.

Submission:

Labcorp Genetics (formerly Invitae), Labcorp
Classification: Likely pathogenic for Hereditary spastic paraplegia 3A. Last evaluated: 2023-10-09. Review status: criteria provided, single submitter. Criteria: Invitae Variant Classification Sherloc (09022015). Collection method: clinical testing. Allele origin: germline.
Comment: This sequence change replaces glutamic acid, which is acidic and polar, with lysine, which is basic and polar, at codon 353 of the ATL1 protein (p.Glu353Lys). This variant is not present in population databases (gnomAD no frequency). This missense change has been observed in individual(s) with autosomal dominant ATL1-related conditions (Invitae). In at least one individual the variant was observed to be de novo. ClinVar contains an entry for this variant (Variation ID: 471244). Advanced modeling of protein sequence and biophysical properties (such as structural, functional, and spatial information, amino acid conservation, physicochemical variation, residue mobility, and thermodynamic stability) performed at Invitae indicates that this missense variant is not expected to disrupt ATL1 protein function. Experimental studies have shown that this missense change affects ATL1 function (PMID: 21368113). In summary, the currently available evidence indicates that the variant is pathogenic, but additional data are needed to prove that conclusively. Therefore, this variant has been classified as Likely Pathogenic.

Literature cited by the submitters: PubMed 21368113.

NM_015915.5(ATL1):c.1057G>A (p.Glu353Lys)

Gene: ATL1 (atlastin GTPase 1; plus strand). Cytogenetic location: 14q22.1.
Variant type: single nucleotide variant.
Coding change: c.1057G>A on transcript NM_015915.5 (MANE Select); coding-DNA position 1057, G replaced by A.
Protein change: p.Glu353Lys; replaces glutamic acid 353 with lysine.
Molecular consequence: missense variant.
Genome position (GRCh38, 1-based): chr14:50,623,186, G>A. VCF-style: chr14-50623186-G-A. GRCh37 (hg19) VCF-style: chr14-51089904-G-A.
Other names: c.1057G>A, p.Glu353Lys (NM_001127713.1, NM_181598.4); short protein forms E353K.
Identifiers: ClinVar variation 471244 (VCV000471244.7), dbSNP rs1555365595, ClinGen allele CA389674117.